The following is an entry in ClinVar:

NM_005475.3(SH2B3):c.337C>T (p.Pro113Ser)

Gene: SH2B3 (SH2B adaptor protein 3; plus strand). Cytogenetic location: 12q24.12.
Variant type: single nucleotide variant.
Coding change: c.337C>T on transcript NM_005475.3 (MANE Select); coding-DNA position 337, C replaced by T.
Protein change: p.Pro113Ser; replaces proline 113 with serine.
Molecular consequence: missense variant.
Genome position (GRCh38, 1-based): chr12:111,418,482, C>T. VCF-style: chr12-111418482-C-T. GRCh37 (hg19) VCF-style: chr12-111856286-C-T.
Other names: short protein forms P113S.
Identifiers: ClinVar variation 3795109 (VCV003795109.1).

ClinVar aggregate classification (germline): Uncertain significance (1 of 4 stars; one submission).

Conditions:
Inborn genetic diseases. Identifiers: MedGen C0950123, MeSH D030342.

Submission:

Ambry Genetics
Classification: Uncertain significance for Inborn genetic diseases. Last evaluated: 2025-01-14. Review status: criteria provided, single submitter. Criteria: Ambry Variant Classification Scheme 2023. Collection method: clinical testing. Allele origin: germline.
Comment: The p.P113S variant (also known as c.337C>T), located in coding exon 1 of the SH2B3 gene, results from a C to T substitution at nucleotide position 337. The proline at codon 113 is replaced by serine, an amino acid with similar properties. This amino acid position is conserved. In addition, this alteration is predicted to be tolerated by in silico analysis. Based on the available evidence, the clinical significance of this variant remains unclear.